The following is an entry in ClinVar:

NM_000455.5(STK11):c.291-224G>A

Genes: STK11 (serine/threonine kinase 11; plus strand), LOC121627843 (Sharpr-MPRA regulatory region 9448; plus strand). Cytogenetic location: 19p13.3.
Variant type: single nucleotide variant.
Coding change: c.291-224G>A on transcript NM_000455.5 (MANE Select); 224 bases into the intron before coding-DNA position 291, G replaced by A.
Molecular consequence: intron variant.
Genome position (GRCh38, 1-based): chr19:1,218,193, G>A. VCF-style: chr19-1218193-G-A. GRCh37 (hg19) VCF-style: chr19-1218192-G-A.
Other names: c.291-224G>A (NM_001407255.1).
Identifiers: ClinVar variation 4280810 (VCV004280810.7).
Genomic context (GRCh38, chr19:1,218,193, plus strand): 5'-ACTCTGTCTCAGAAAAAAAAAAAAGTGTCCTAACTGTGTCCTCCAAAGCCCTCGCCGGCC[G>A]ATGACAGACTAGAGGGCGCTGTGCTCCCACCCCCTACCGCCCTGAGCCTGGACGCGTGGC-3'

ClinVar aggregate classification (germline): Likely benign (1 of 4 stars; one submission).

Submission:

CeGaT Center for Human Genetics Tuebingen
Classification: Likely benign. Last evaluated: 2026-09-01. Review status: criteria provided, single submitter. Criteria: CeGaT Center For Human Genetics Tuebingen Variant Classification Criteria Version 2. Collection method: clinical testing. Allele origin: germline. Affected: yes. Observed: 7 variant alleles.
Comment: STK11: BS1